The following is an entry in ClinVar:

NM_004385.5(VCAN):c.2429C>A (p.Thr810Lys)

Gene: VCAN (versican; plus strand). Cytogenetic location: 5q14.3.
Variant type: single nucleotide variant.
Coding change: c.2429C>A on transcript NM_004385.5 (MANE Select); coding-DNA position 2429, C replaced by A.
Protein change: p.Thr810Lys; replaces threonine 810 with lysine.
Molecular consequence: missense variant. On other transcripts: intron variant (2).
Genome position (GRCh38, 1-based): chr5:83,520,735, C>A. VCF-style: chr5-83520735-C-A. GRCh37 (hg19) VCF-style: chr5-82816554-C-A.
Other names: c.2429C>A, p.Thr810Lys (NM_001164098.2); c.1042+8339C>A (NM_001164097.2, NM_001126336.3); short protein forms T810K.
Identifiers: ClinVar variation 2855164 (VCV002855164.3), dbSNP rs969397788, ClinGen allele CA360303919.

ClinVar aggregate classification (germline): Uncertain significance (1 of 4 stars; one submission).

Submission:

Labcorp Genetics (formerly Invitae), Labcorp
Classification: Uncertain significance. Last evaluated: 2023-04-11. Review status: criteria provided, single submitter. Criteria: Invitae Variant Classification Sherloc (09022015). Collection method: clinical testing. Allele origin: germline.
Comment: In summary, the available evidence is currently insufficient to determine the role of this variant in disease. Therefore, it has been classified as a Variant of Uncertain Significance. An algorithm developed to predict the effect of missense changes on protein structure and function (PolyPhen-2) suggests that this variant is likely to be tolerated. This variant has not been reported in the literature in individuals affected with VCAN-related conditions. This variant is not present in population databases (gnomAD no frequency). This sequence change replaces threonine, which is neutral and polar, with lysine, which is basic and polar, at codon 810 of the VCAN protein (p.Thr810Lys).